The following is an entry in ClinVar:

NM_000051.4(ATM):c.3157G>C (p.Asp1053His)

Gene: ATM (ATM serine/threonine kinase; plus strand). Cytogenetic location: 11q22.3.
Variant type: single nucleotide variant.
Coding change: c.3157G>C on transcript NM_000051.4 (MANE Select); coding-DNA position 3157, G replaced by C.
Protein change: p.Asp1053His; replaces aspartic acid 1053 with histidine.
Molecular consequence: missense variant.
Genome position (GRCh38, 1-based): chr11:108,272,725, G>C. VCF-style: chr11-108272725-G-C. GRCh37 (hg19) VCF-style: chr11-108143452-G-C.
Other names: c.3157G>C, p.Asp1053His (NM_001351834.2); short protein forms D1053H.
Identifiers: ClinVar variation 233075 (VCV000233075.5), dbSNP rs876660172, ClinGen allele CA10579088.
Genomic context (GRCh38, chr11:108,272,725, plus strand): 5'-TTTGTTAATGAGTAATTTTTCTCTATTTCATATTTAACCACAGTTCTTTTCCCGTAGGCT[G>C]ATCCTTATTCAAAATGGGCCATTCTTAATGTAATGGGAAAAGACTTTCCTGTAAATGAAG-3'
Protein context (NP_000042.3, residues 1043-1063): VNCLKTLLEA[Asp1053His]PYSKWAILNV

ClinVar aggregate classification (germline): Uncertain significance (1 of 4 stars; one submission).

Conditions:
Hereditary cancer-predisposing syndrome. Also called: Neoplastic Syndromes, Hereditary; Tumor predisposition; Hereditary Cancer Syndrome; Hereditary neoplastic syndrome. Identifiers: Orphanet 140162, MedGen C0027672, MeSH D009386, MONDO:0015356.

Submission:

Ambry Genetics
Classification: Uncertain significance for Hereditary cancer-predisposing syndrome. Last evaluated: 2015-07-21. Review status: criteria provided, single submitter. Criteria: Ambry Variant Classification Scheme 2023. Collection method: clinical testing. Allele origin: germline.
Comment: The p.D1053H variant (also known as c.3157G>C), located in coding exon 21 of the ATM gene, results from a G to C substitution at nucleotide position 3157. The aspartic acid at codon 1053 is replaced by histidine, an amino acid with similar properties. This variant was not reported in population based cohorts in the following databases: Database of Single Nucleotide Polymorphisms (dbSNP), NHLBI Exome Sequencing Project (ESP), and 1000 Genomes Project. In the ESP, this variant was not observed in 6499 samples (12998 alleles) with coverage at this position. To date, this alteration has been detected with an allele frequency of approximately 0.002% (greater than 66000 alleles tested) in our clinical cohort. This amino acid position is highly conserved in available vertebrate species. In addition, this alteration is predicted to be deleterious by in silico analysis. Since supporting evidence is limited at this time, the clinical significance of p.D1053H remains unclear.